The following is an entry in ClinVar:

NM_000256.3(MYBPC3):c.3669A>T (p.Glu1223Asp)

Gene: MYBPC3 (myosin binding protein C3; minus strand). Cytogenetic location: 11p11.2.
Variant type: single nucleotide variant.
Coding change: c.3669A>T on transcript NM_000256.3 (MANE Select); coding-DNA position 3669, A replaced by T.
Protein change: p.Glu1223Asp; replaces glutamic acid 1223 with aspartic acid.
Molecular consequence: missense variant.
Genome position (GRCh38, 1-based): chr11:47,332,217, T>A on the plus strand (A>T on the coding strand, the complement: MYBPC3 is on the minus strand). VCF-style: chr11-47332217-T-A. GRCh37 (hg19) VCF-style: chr11-47353768-T-A.
Other names: c.3669A>T, p.Glu1223Asp (LRG_386t1); short protein forms E1223D.
Identifiers: ClinVar variation 583124 (VCV000583124.12), dbSNP rs1565622424, ClinGen allele CA380311604.

ClinVar aggregate classification (germline): Conflicting classifications of pathogenicity. Review status: criteria provided, conflicting classifications (1 of 4 stars). 3 submissions from 3 submitters: Uncertain significance (2); Likely benign (1). Last evaluated 2026-08-06.

Conditions:
Hypertrophic cardiomyopathy. Also called: HYPERTROPHIC MYOCARDIOPATHY. Identifiers: Orphanet 217569, MedGen C0007194, MeSH D002312, MONDO:0005045, HP:0001639.
Cardiovascular phenotype. Identifiers: MedGen CN230736.

Allele frequency attached by ClinVar (database versions not stated): TOPMed below 0.00001.

Submissions (3):

Ambry Genetics
Classification: Likely benign for Cardiovascular phenotype. Last evaluated: 2026-08-06. Review status: criteria provided, single submitter. Criteria: Ambry Variant Classification Scheme 2023. Collection method: clinical testing. Allele origin: germline.

All of Us Research Program, National Institutes of Health
Classification: Uncertain significance for Hypertrophic cardiomyopathy. Last evaluated: 2023-06-27. Review status: criteria provided, single submitter. Criteria: ACMG Guidelines, 2015. Collection method: clinical testing. Allele origin: germline. Inheritance: Autosomal dominant inheritance. Observed: 1 variant allele, 1 heterozygote.
Comment: This study involves interpretation of variants in research participants for the purpose of population health screening. Participant phenotype was not available at the time of variant classification. Additional details can be found in publication PMID: 35346344, PMCID: PMC8962531

Labcorp Genetics (formerly Invitae), Labcorp
Classification: Uncertain significance for Hypertrophic cardiomyopathy. Last evaluated: 2018-04-11. Review status: criteria provided, single submitter. Criteria: Invitae Variant Classification Sherloc (09022015). Collection method: clinical testing. Allele origin: germline.
Comment: In summary, the available evidence is currently insufficient to determine the role of this variant in disease. Therefore, it has been classified as a Variant of Uncertain Significance. A computational algorithm designed to assess the pathogenicity of variants in MYBPC3 with regard to hypertrophic cardiomyopathy predicted this sequence change to be tolerated. The algorithm has a sensitivity of 94% and a specificity of 89% (PMID: 21310275). This variant has not been reported in the literature in individuals with MYBPC3-related disease. This variant is not present in population databases (ExAC no frequency). This sequence change replaces glutamic acid with aspartic acid at codon 1223 of the MYBPC3 protein (p.Glu1223Asp). The glutamic acid residue is weakly conserved and there is a small physicochemical difference between glutamic acid and aspartic acid.

Literature cited by the submitters: PubMed 21310275 (cited by Labcorp Genetics (formerly Invitae), Labcorp).